The following is an entry in ClinVar:

NM_001077653.2(TBX20):c.140A>C (p.Glu47Ala)

Gene: TBX20 (T-box transcription factor 20; minus strand). Cytogenetic location: 7p14.2.
Variant type: single nucleotide variant.
Coding change: c.140A>C on transcript NM_001077653.2 (MANE Select); coding-DNA position 140, A replaced by C.
Protein change: p.Glu47Ala; replaces glutamic acid 47 with alanine.
Molecular consequence: missense variant.
Genome position (GRCh38, 1-based): chr7:35,250,191, T>G on the plus strand (A>C on the coding strand, the complement: TBX20 is on the minus strand). VCF-style: chr7-35250191-T-G. GRCh37 (hg19) VCF-style: chr7-35289803-T-G.
Other names: c.140A>C, p.Glu47Ala (NM_001166220.1); short protein forms E47A.
Identifiers: ClinVar variation 1510981 (VCV001510981.8), dbSNP rs2128716171, ClinGen allele CA367265405.

ClinVar aggregate classification (germline): Uncertain significance (1 of 4 stars; one submission).

Allele frequency attached by ClinVar (database versions not stated): gnomAD exomes below 0.00001.
gnomAD v4.1: 1 of 1,614,026 alleles (0.000062%); highest among the groups gnomAD compares: Non-Finnish European, 0.000085%; no homozygotes.

Submission:

Labcorp Genetics (formerly Invitae), Labcorp
Classification: Uncertain significance. Last evaluated: 2023-05-22. Review status: criteria provided, single submitter. Criteria: Invitae Variant Classification Sherloc (09022015). Collection method: clinical testing. Allele origin: germline.
Comment: In summary, the available evidence is currently insufficient to determine the role of this variant in disease. Therefore, it has been classified as a Variant of Uncertain Significance. An algorithm developed to predict the effect of missense changes on protein structure and function (PolyPhen-2) suggests that this variant is likely to be tolerated. ClinVar contains an entry for this variant (Variation ID: 1510981). This variant has not been reported in the literature in individuals affected with TBX20-related conditions. This variant is not present in population databases (gnomAD no frequency). This sequence change replaces glutamic acid, which is acidic and polar, with alanine, which is neutral and non-polar, at codon 47 of the TBX20 protein (p.Glu47Ala).